The following is an entry in ClinVar:

NM_001130144.3(LTBP3):c.3550T>A (p.Ser1184Thr)

Gene: LTBP3 (latent transforming growth factor beta binding protein 3; minus strand). Cytogenetic location: 11q13.1.
Variant type: single nucleotide variant.
Coding change: c.3550T>A on transcript NM_001130144.3 (MANE Select); coding-DNA position 3550, T replaced by A.
Protein change: p.Ser1184Thr; replaces serine 1184 with threonine.
Molecular consequence: missense variant.
Genome position (GRCh38, 1-based): chr11:65,539,626, A>T on the plus strand (T>A on the coding strand, the complement: LTBP3 is on the minus strand). VCF-style: chr11-65539626-A-T. GRCh37 (hg19) VCF-style: chr11-65307097-A-T.
Other names: c.3058T>A, p.Ser1020Thr (NM_001164266.1); c.3409T>A, p.Ser1137Thr (NM_021070.4); short protein forms S1184T, S1020T, S1137T.
Identifiers: ClinVar variation 3868964 (VCV003868964.1).
Genomic context (GRCh38, chr11:65,539,626, plus strand): 5'-ACAGCAGGGGGCTTGTGTCCCAGAAGGAATTGCTCTCGCTCTGCGATGTCGGGCAATGGG[A>T]CCCTGGGAGGAGCAGAACTGGTCAGCGACGTCCGGGTCCCCGGGCCCTGGCCCCCATCCT-3'
Protein context (NP_001123616.1, residues 1174-1194): CRPCPPRGAG[Ser1184Thr]HCPTSQSESN

ClinVar aggregate classification (germline): Uncertain significance (1 of 4 stars; one submission).

Conditions:
Inborn genetic diseases. Identifiers: MedGen C0950123, MeSH D030342.

Submission:

Ambry Genetics
Classification: Uncertain significance for Inborn genetic diseases. Last evaluated: 2024-12-13. Review status: criteria provided, single submitter. Criteria: Ambry Variant Classification Scheme 2023. Collection method: clinical testing. Allele origin: germline.
Comment: The p.S1184T variant (also known as c.3550T>A), located in coding exon 26 of the LTBP3 gene, results from a T to A substitution at nucleotide position 3550. The serine at codon 1184 is replaced by threonine, an amino acid with similar properties. This amino acid position is conserved. In addition, this alteration is predicted to be tolerated by in silico analysis. Based on the available evidence, the clinical significance of this variant remains unclear.